The following is an entry in ClinVar:

NM_024408.4(NOTCH2):c.2063C>T (p.Ser688Phe)

Gene: NOTCH2 (notch receptor 2; minus strand). Cytogenetic location: 1p12.
Variant type: single nucleotide variant.
Coding change: c.2063C>T on transcript NM_024408.4 (MANE Select); coding-DNA position 2063, C replaced by T.
Protein change: p.Ser688Phe; replaces serine 688 with phenylalanine.
Molecular consequence: missense variant.
Genome position (GRCh38, 1-based): chr1:119,955,196, G>A on the plus strand (C>T on the coding strand, the complement: NOTCH2 is on the minus strand). VCF-style: chr1-119955196-G-A. GRCh37 (hg19) VCF-style: chr1-120497819-G-A.
Other names: c.2063C>T, p.Ser688Phe (NM_001200001.2); short protein forms S688F.
Identifiers: ClinVar variation 1944634 (VCV001944634.6), dbSNP rs371567728, ClinGen allele CA1040389.

ClinVar aggregate classification (germline): Conflicting classifications of pathogenicity. Review status: criteria provided, conflicting classifications (1 of 4 stars). 2 submissions from 2 submitters: Uncertain significance (1); Likely benign (1). Last evaluated 2025-11-05.

Conditions:
Hajdu-Cheney syndrome (HJCYS). Also called: ACROOSTEOLYSIS WITH OSTEOPOROSIS AND CHANGES IN SKULL AND MANDIBLE; SERPENTINE FIBULA-POLYCYSTIC KIDNEY SYNDROME; Acroosteolysis dominant type. Identifiers: Orphanet 955, MedGen C0917715, MONDO:0007057, OMIM 102500.
Alagille syndrome due to a NOTCH2 point mutation. Also called: Alagille syndrome 2. Identifiers: Orphanet 261629, Orphanet 52, MedGen C1857761, MONDO:0012439, OMIM 610205.

Allele frequency attached by ClinVar (database versions not stated): TOPMed 0.00003; ESP Exome Variant Server 0.00015; ExAC 0.00003; gnomAD 0.00003.
gnomAD v4.1: 162 of 1,614,026 alleles (0.01%); highest among the groups gnomAD compares: Non-Finnish European, 0.014%; no homozygotes.

Submissions (2):

Labcorp Genetics (formerly Invitae), Labcorp
Classification: Uncertain significance for Hajdu-Cheney syndrome. Last evaluated: 2025-11-05. Review status: criteria provided, single submitter. Criteria: Invitae Variant Classification Sherloc (09022015). Collection method: clinical testing. Allele origin: germline.
Comment: This sequence change replaces serine, which is neutral and polar, with phenylalanine, which is neutral and non-polar, at codon 688 of the NOTCH2 protein (p.Ser688Phe). This variant is present in population databases (rs371567728, gnomAD 0.01%). This variant has not been reported in the literature in individuals affected with NOTCH2-related conditions. ClinVar contains an entry for this variant (Variation ID: 1944634). Invitae Evidence Modeling of protein sequence and biophysical properties (such as structural, functional, and spatial information, amino acid conservation, physicochemical variation, residue mobility, and thermodynamic stability) indicates that this missense variant is not expected to disrupt NOTCH2 protein function with a negative predictive value of 80%. In summary, the available evidence is currently insufficient to determine the role of this variant in disease. Therefore, it has been classified as a Variant of Uncertain Significance.

Fulgent Genetics
Classification: Likely benign for Hajdu-Cheney syndrome; Alagille syndrome due to a NOTCH2 point mutation. Last evaluated: 2024-03-21. Review status: criteria provided, single submitter. Criteria: ACMG Guidelines, 2015. Collection method: clinical testing. Allele origin: germline.